The following is an entry in ClinVar:

NM_020791.4(TAOK1):c.557C>T (p.Pro186Leu)

Gene: TAOK1 (TAO kinase 1; plus strand). Cytogenetic location: 17q11.2.
Variant type: single nucleotide variant.
Coding change: c.557C>T on transcript NM_020791.4 (MANE Select); coding-DNA position 557, C replaced by T.
Protein change: p.Pro186Leu; replaces proline 186 with leucine.
Molecular consequence: missense variant.
Genome position (GRCh38, 1-based): chr17:29,480,475, C>T. VCF-style: chr17-29480475-C-T. GRCh37 (hg19) VCF-style: chr17-27807493-C-T.
Other names: c.557C>T, p.Pro186Leu (NM_025142.1); c.557C>T (NM_020791.2); short protein forms P186L.
Identifiers: ClinVar variation 3066463 (VCV003066463.3), dbSNP rs2508206186, ClinGen allele CA399190091.
Genomic context (GRCh38, chr17:29,480,475, plus strand): 5'-AACTTGCTGACTTTGGCTCTGCTTCCATGGCATCACCTGCCAATTCCTTTGTGGGAACGC[C>T]GTATTGGTAAGAATAGTTAAAGCAGTCAGCAGCTGTTTTAAGTGTCTGTCTATGTTTAAC-3'
Protein context (NP_065842.1, residues 176-196): ASPANSFVGT[Pro186Leu]YWMAPEVILA

ClinVar aggregate classification (germline): Conflicting classifications of pathogenicity. Review status: criteria provided, conflicting classifications (1 of 4 stars). 2 submissions from 2 submitters: Likely pathogenic (1); Uncertain significance (1). Last evaluated 2025-09-19.

Conditions:
Developmental delay with or without intellectual impairment or behavioral abnormalities. Identifiers: MedGen C5562004, MONDO:0859199, OMIM 619575.

Submissions (2):

GeneDx
Classification: Likely pathogenic. Last evaluated: 2025-09-19. Review status: criteria provided, single submitter. Criteria: GeneDx Variant Classification Process June 2021. Collection method: clinical testing. Allele origin: germline.
Comment: In silico analysis supports that this missense variant has a deleterious effect on protein structure/function; Not observed at significant frequency in large population cohorts (gnomAD); This variant is associated with the following publications: (PMID: 35982159, 38958063, 35982160)

Institute of Medical Genetics and Applied Genomics, University Hospital Tübingen
Classification: Uncertain significance for Developmental delay with or without intellectual impairment or behavioral abnormalities. Last evaluated: 2024-04-05. Review status: criteria provided, single submitter. Criteria: ACMG Guidelines, 2015. Collection method: clinical testing. Allele origin: germline. Inheritance: Autosomal dominant inheritance. Affected: yes.